The following is an entry in ClinVar:

ClinVar aggregate classification (germline): Uncertain significance. Review status: criteria provided, single submitter (1 of 4 stars). 2 submissions from 2 submitters: Uncertain significance (1). 1 of the submissions does not count toward it. Last evaluated 2023-11-29.

Conditions:
Inborn genetic diseases. Identifiers: MedGen C0950123, MeSH D030342.
Prostate cancer. Also called: Malignant tumor of prostate. Identifiers: Orphanet 1331, MedGen C0376358, MONDO:0008315, HP:0012125.

Allele frequency attached by ClinVar (database versions not stated): gnomAD 0.00005 and 0.00003; gnomAD exomes 0.00004 and 0.00007; TOPMed 0.00003; 1000 Genomes Project 0.00020; ExAC 0.00008; ESP Exome Variant Server 0.00008; 1000 Genomes Project 30x 0.00016.
gnomAD v4.1: 66 of 1,612,802 alleles (0.0041%); highest among the groups gnomAD compares: Middle Eastern, 0.017%; no homozygotes.

Submissions (2):

Ambry Genetics
Classification: Uncertain significance for Inborn genetic diseases. Last evaluated: 2023-11-29. Review status: criteria provided, single submitter. Criteria: Ambry Variant Classification Scheme 2023. Collection method: clinical testing. Allele origin: germline.

Science for Life laboratory,  Karolinska Institutet
Classification: Uncertain significance for Malignant tumor of prostate. Review status: no assertion criteria provided. Collection method: not provided. Allele origin: somatic. Not counted in ClinVar's aggregate classification.
Comment: TumorID:SWE-9
ClinVar note: Converted during submission from Unknown to Uncertain significance.

NM_152792.4(ASPRV1):c.-158C>T

Genes: ASPRV1 (aspartic peptidase retroviral like 1; minus strand), LOC122757966 (Sharpr-MPRA regulatory region 1834; plus strand). Cytogenetic location: 2p13.3.
Variant type: single nucleotide variant.
Coding change: c.-158C>T on transcript NM_152792.4 (MANE Select); 158 bases upstream of the start codon, C replaced by T.
Molecular consequence: 5 prime UTR variant. On other transcripts: non-coding transcript variant (8).
Genome position (GRCh38, 1-based): chr2:69,961,594, G>A on the plus strand (C>T on the coding strand, the complement: ASPRV1 is on the minus strand). VCF-style: chr2-69961594-G-A. GRCh37 (hg19) VCF-style: chr2-70188726-G-A.
Other names: short protein forms P32L.
Identifiers: ClinVar variation 161818 (VCV000161818.3), dbSNP rs184561703, ClinGen allele CA174843.